The following is an entry in ClinVar:

NM_005797.4(MPZL2):c.161del (p.Pro54fs)

Gene: MPZL2 (myelin protein zero like 2; minus strand). Cytogenetic location: 11q23.3.
Variant type: Deletion.
Coding change: c.161del on transcript NM_005797.4 (MANE Select); coding-DNA position 161, one base deleted (C; older notation c.161delC).
Protein change: p.Pro54fs; shifts the reading frame from proline 54.
Molecular consequence: frameshift variant.
Genome position (GRCh38, 1-based): chr11:118,262,995, G deleted on the plus strand (C on the coding strand, the reverse complement: MPZL2 is on the minus strand); the first of 4 consecutive G bases (chr11:118,262,995-118,262,998); deleting any one gives the same sequence. VCF-style (leftmost placement, unchanged base first): chr11-118262994-AG-A. GRCh37 (hg19) VCF-style: chr11-118133709-AG-A.
Other names: c.161del, p.Pro54fs (NM_144765.3); c.161delC (NM_005797.3, NM_005797.4); short protein forms P54fs.
Identifiers: ClinVar variation 2445648 (VCV002445648.2), dbSNP rs746218761, ClinGen allele CA6301454.
Genomic context (GRCh38, chr11:118,262,994, plus strand): 5'-CTGCTCAGGTCCCCCGTCTAGAGGACGAAAATTCCAGGTCACTGTTAGAGCATCACCCAC[AG>A]GGGCAAAGCTGGAGAAAGTGCATTTTAACCGAGCATCTGTCCCATTAACAGCCTCCAGCA-3'

ClinVar aggregate classification (germline): Pathogenic. Review status: criteria provided, multiple submitters, no conflicts (2 of 4 stars). 2 submissions from 2 submitters: Pathogenic (2). Last evaluated 2026-04-07.

Conditions:
MPZL2-related disorder. Also called: MPZL2-related condition.
Hearing loss, autosomal recessive 111. Also called: DEAFNESS, AUTOSOMAL RECESSIVE 111. Identifiers: MedGen C4748374, MONDO:0029142, OMIM 618145.

Submissions (2):

PreventionGenetics, part of Exact Sciences
Classification: Pathogenic for MPZL2-related condition. Last evaluated: 2026-04-07. Review status: criteria provided, single submitter. Criteria: ACMG Guidelines, 2015. Collection method: clinical testing. Allele origin: germline.
Comment: The MPZL2 c.161delC variant is predicted to result in a frameshift and premature protein termination (p.Pro54Leufs*6). This variant was reported the homozygous state in an individual with hearing loss (ClinVar Variation ID: 2445648; Carlson et al. 2023. PubMed ID: 36633841). This variant is reported in 0.052% of alleles in individuals of Latino descent in gnomAD. Frameshift variants in MPZL2 are expected to be pathogenic. This variant is interpreted as pathogenic.

King Laboratory, University of Washington
Classification: Pathogenic for Hearing loss, autosomal recessive 111. Last evaluated: 2023-02-28. Review status: criteria provided, single submitter. Criteria: Li et al. (Genet Med. 2022). Collection method: research. Allele origin: unknown. Affected: yes.
Comment: This variant is a single base pair deletion that leads to frameshift, which is predicted to lead to a premature stop at codon 59 of the 215-amino acid protein. As of January 2023, this variant has not been reported to ClinVar and is not found on gnomAD. Based on homozygosity, the prediction that this variant leads to a truncated protein, and goodness of fit of genotype to phenotype, we conclude that this variant is pathogenic.

Literature cited by the submitters: PubMed 36633841 (cited by King Laboratory, University of Washington).